The following is an entry in ClinVar:

ClinVar aggregate classification (germline): Uncertain significance (1 of 4 stars; one submission).

Conditions:
Spastic paraplegia. Identifiers: MedGen C0037772, HP:0001258.

Allele frequency attached by ClinVar (database versions not stated): gnomAD 0.00001.

Submission:

Labcorp Genetics (formerly Invitae), Labcorp
Classification: Uncertain significance for Spastic paraplegia. Last evaluated: 2021-09-16. Review status: criteria provided, single submitter. Criteria: Invitae Variant Classification Sherloc (09022015). Collection method: clinical testing. Allele origin: germline.
Comment: This variant is not present in population databases (ExAC no frequency). This sequence change replaces alanine with threonine at codon 18 of the SLC16A2 protein (p.Ala18Thr). The alanine residue is weakly conserved and there is a small physicochemical difference between alanine and threonine. This variant has not been reported in the literature in individuals affected with SLC16A2-related conditions. In summary, the available evidence is currently insufficient to determine the role of this variant in disease. Therefore, it has been classified as a Variant of Uncertain Significance. Advanced modeling of protein sequence and biophysical properties (such as structural, functional, and spatial information, amino acid conservation, physicochemical variation, residue mobility, and thermodynamic stability) performed at Invitae indicates that this missense variant is not expected to disrupt SLC16A2 protein function.

NM_006517.5(SLC16A2):c.52G>A (p.Ala18Thr)

Gene: SLC16A2 (solute carrier family 16 member 2; plus strand). Cytogenetic location: Xq13.2.
Variant type: single nucleotide variant.
Coding change: c.52G>A on transcript NM_006517.5 (MANE Select); coding-DNA position 52, G replaced by A.
Protein change: p.Ala18Thr; replaces alanine 18 with threonine.
Molecular consequence: missense variant.
Genome position (GRCh38, 1-based): chrX:74,421,689, G>A. VCF-style: chrX-74421689-G-A. GRCh37 (hg19) VCF-style: chrX-73641524-G-A.
Other names: short protein forms A18T.
Identifiers: ClinVar variation 1364475 (VCV001364475.6), dbSNP rs1928296742, ClinGen allele CA413655670.